The following is an entry in ClinVar:

ClinVar aggregate classification (germline): Conflicting classifications of pathogenicity. Review status: criteria provided, conflicting classifications (1 of 4 stars). 2 submissions from 2 submitters: Uncertain significance (1); Benign (1). Last evaluated 2026-02-03.

Conditions:
Developmental and epileptic encephalopathy, 1 (DEE1). Also called: X-linked infantile spasms; West's syndrome; Tonic spasms with clustering, arrest of psychomotor development and hypsarrhythmia on EEG; X-Linked Infantile Spasm Syndrome; OHTAHARA SYNDROME, X-LINKED; Epileptic encephalopathy, early infantile, 1. Identifiers: MedGen C3463992, MONDO:0010632, OMIM 308350. Disease mechanism: loss of function.
Autosomal dominant nonsyndromic hearing loss 65. Also called: Deafness, autosomal dominant 65; TBC1D24-Related Autosomal Dominant Nonsyndromic Hearing Loss (DFNA). Identifiers: Orphanet 90635, MedGen C3892048, MONDO:0014470, OMIM 616044.

Allele frequency attached by ClinVar (database versions not stated): ExAC 0.00012; TOPMed 0.00021; gnomAD exomes 0.00024; ESP Exome Variant Server 0.00016; gnomAD 0.00016.
gnomAD v4.1: 191 of 1,611,566 alleles (0.012%); highest among the groups gnomAD compares: Admixed American, 0.018%; no homozygotes.

Submissions (2):

Labcorp Genetics (formerly Invitae), Labcorp
Classification: Benign for Developmental and epileptic encephalopathy, 1; Autosomal dominant nonsyndromic hearing loss 65. Last evaluated: 2026-02-03. Review status: criteria provided, single submitter. Criteria: Invitae Variant Classification Sherloc (09022015). Collection method: clinical testing. Allele origin: germline.

GeneDx
Classification: Uncertain significance. Last evaluated: 2019-06-04. Review status: criteria provided, single submitter. Criteria: GeneDx Variant Classification Process June 2021. Collection method: clinical testing. Allele origin: germline. Affected: yes.
Comment: Has not been previously published as pathogenic or benign to our knowledge; In-silico analysis, which includes splice predictors and evolutionary conservation, is inconclusive as to whether the variant alters gene splicing. In the absence of RNA/functional studies, the actual effect of this sequence change is unknown.

NM_001199107.2(TBC1D24):c.1207-16C>G

Gene: TBC1D24 (TBC1 domain family member 24; plus strand). Cytogenetic location: 16p13.3.
Variant type: single nucleotide variant.
Coding change: c.1207-16C>G on transcript NM_001199107.2 (MANE Select); 16 bases into the intron before coding-DNA position 1207, C replaced by G.
Molecular consequence: intron variant.
Genome position (GRCh38, 1-based): chr16:2,499,819, C>G. VCF-style: chr16-2499819-C-G. GRCh37 (hg19) VCF-style: chr16-2549820-C-G.
Other names: c.1189-16C>G (NM_020705.3).
Identifiers: ClinVar variation 418513 (VCV000418513.11), dbSNP rs201618854, ClinGen allele CA7844220.
Genomic context (GRCh38, chr16:2,499,819, plus strand): 5'-GGCCCGTCAGTAGTCTGGAGCACAGGGACGCTCCTGGGGGCCTGCGGGCACAGCCTCACC[C>G]AGACCTTTCCCCCAGGTGTGTGGTGCTTACCTGTCCACAGACTGGAGTGAGAGAAATAAG-3'